The following is an entry in ClinVar:

NM_006912.6(RIT1):c.153T>A (p.Asp51Glu)

Gene: RIT1 (Ras like without CAAX 1; minus strand). Cytogenetic location: 1q22.
Variant type: single nucleotide variant.
Coding change: c.153T>A on transcript NM_006912.6 (MANE Select); coding-DNA position 153, T replaced by A.
Protein change: p.Asp51Glu; replaces aspartic acid 51 with glutamic acid.
Molecular consequence: missense variant.
Genome position (GRCh38, 1-based): chr1:155,910,460, A>T on the plus strand (T>A on the coding strand, the complement: RIT1 is on the minus strand). VCF-style: chr1-155910460-A-T. GRCh37 (hg19) VCF-style: chr1-155880251-A-T.
Other names: c.45T>A, p.Asp15Glu (NM_001256820.2); c.204T>A, p.Asp68Glu (NM_001256821.2); short protein forms D68E, D51E, D15E.
Identifiers: ClinVar variation 2808384 (VCV002808384.5), dbSNP rs1571999275, ClinGen allele CA342775967.

ClinVar aggregate classification (germline): Uncertain significance. Review status: criteria provided, multiple submitters, no conflicts (2 of 4 stars). 2 submissions from 2 submitters: Uncertain significance (2). Last evaluated 2025-01-17.

Conditions:
Noonan syndrome 8 (NS8). Identifiers: Orphanet 648, MedGen C3809233, MONDO:0014143, OMIM 615355.

Submissions (2):

Women's Health and Genetics/Laboratory Corporation of America, LabCorp
Classification: Uncertain significance. Last evaluated: 2025-01-17. Review status: criteria provided, single submitter. Criteria: LabCorp Variant Classification Summary - May 2015. Collection method: clinical testing. Allele origin: germline.
Comment: Variant summary: RIT1 c.153T>A (p.Asp51Glu) results in a conservative amino acid change located in the small GTPase Ras family profile ( IPR020849) of the encoded protein sequence. Three of five in-silico tools predict a damaging effect of the variant on protein function. The variant was absent in 251438 control chromosomes. The available data on variant occurrences in the general population are insufficient to allow any conclusion about variant significance. To our knowledge, no occurrence of c.153T>A in individuals affected with Noonan Syndrome and no experimental evidence demonstrating its impact on protein function have been reported. ClinVar contains an entry for this variant (Variation ID: 2808384). Based on the evidence outlined above, the variant was classified as uncertain significance.

Labcorp Genetics (formerly Invitae), Labcorp
Classification: Uncertain significance for Noonan syndrome 8. Last evaluated: 2024-01-07. Review status: criteria provided, single submitter. Criteria: Invitae Variant Classification Sherloc (09022015). Collection method: clinical testing. Allele origin: germline.
Comment: This sequence change replaces aspartic acid, which is acidic and polar, with glutamic acid, which is acidic and polar, at codon 51 of the RIT1 protein (p.Asp51Glu). This variant is not present in population databases (gnomAD no frequency). This variant has not been reported in the literature in individuals affected with RIT1-related conditions. An algorithm developed to predict the effect of missense changes on protein structure and function (PolyPhen-2) suggests that this variant is likely to be disruptive. In summary, the available evidence is currently insufficient to determine the role of this variant in disease. Therefore, it has been classified as a Variant of Uncertain Significance.